The following is an entry in ClinVar:

ClinVar aggregate classification (germline): Likely pathogenic (0 of 4 stars; one submission).

Conditions:
Intellectual developmental disorder, autosomal dominant 30, with speech delay and behavioral abnormalities. Also called: Intellectual disability, autosomal dominant 30. Identifiers: Orphanet 436151, MedGen C4015167, MONDO:0014486, OMIM 616083.

Submission:

Institute of Human Genetics, University of Leipzig Medical Center
Classification: Likely pathogenic for Intellectual developmental disorder, autosomal dominant 30, with speech delay and behavioral abnormalities. Last evaluated: 2021-04-13. Review status: no assertion criteria provided. Collection method: clinical testing. Allele origin: de novo. Inheritance: Sporadic. Affected: yes.
Comment: LEV effective. EEG: Occasional spike and wave discharges mid and left parietal region.Neuropsych/development: ASD, moderate LD, aggressive behaviour; hypotonia, abnormal gait, scoliosis, neurogenic bladder; MRI mild cerebellar tonsillar ectopia.Dysmorphism: NoneSomatic: Recurrent skin and respiratory infections; hypoplastic thoracic vertebra.

NM_001370100.5(ZMYND11):c.1724G>A (p.Cys575Tyr)

Gene: ZMYND11 (zinc finger MYND-type containing 11; plus strand). Cytogenetic location: 10p15.3.
Variant type: single nucleotide variant.
Coding change: c.1724G>A on transcript NM_001370100.5 (MANE Select); coding-DNA position 1724, G replaced by A.
Protein change: p.Cys575Tyr; replaces cysteine 575 with tyrosine.
Molecular consequence: missense variant. On other transcripts: non-coding transcript variant (1).
Genome position (GRCh38, 1-based): chr10:252,385, G>A. VCF-style: chr10-252385-G-A. GRCh37 (hg19) VCF-style: chr10-298325-G-A.
Other names: c.1562G>A, p.Cys521Tyr (NM_001202464.3, NM_001370103.2, NM_001370104.2 and 5 more transcripts); c.1469G>A, p.Cys490Tyr (NM_001202465.3, NM_001370110.2); c.1559G>A, p.Cys520Tyr (NM_001202466.3, NM_001370111.2); c.1673G>A, p.Cys558Tyr (NM_001330057.3, NM_001370112.2); c.1724G>A, p.Cys575Tyr (NM_001370097.3, NM_001370098.2, NM_001370099.2 and 3 more transcripts); c.1631G>A, p.Cys544Tyr (NM_001370113.2, NM_001370114.2); c.1721G>A, p.Cys574Tyr (NM_001370115.2); c.1658G>A, p.Cys553Tyr (NM_001370116.2); and 8 more; short protein forms C418Y, C456Y, C473Y, C481Y, C490Y, C499Y, C520Y, C521Y.
Identifiers: ClinVar variation 1064583 (VCV001064583.1), dbSNP rs2132045760, ClinGen allele CA375824494.